The following is an entry in ClinVar:

ClinVar aggregate classification (germline): Conflicting classifications of pathogenicity. Review status: criteria provided, conflicting classifications (1 of 4 stars). 2 submissions from 2 submitters: Uncertain significance (1); Likely benign (1). Last evaluated 2025-04-01.

Conditions:
POLD1-related polyposis and colorectal cancer syndrome (CRCS10). Also called: Colorectal cancer 10; COLORECTAL CANCER, SUSCEPTIBILITY TO, ON CHROMOSOME 19q; Colorectal cancer, susceptibility to, 10. Identifiers: Orphanet 220460, MedGen C2675481, MONDO:0012953, OMIM 612591.
Hereditary cancer-predisposing syndrome. Also called: Neoplastic Syndromes, Hereditary; Hereditary neoplastic syndrome; Tumor predisposition; Hereditary Cancer Syndrome. Identifiers: Orphanet 140162, MedGen C0027672, MeSH D009386, MONDO:0015356.

Allele frequency attached by ClinVar (database versions not stated): gnomAD 0.00003; ExAC 0.00001; TOPMed 0.00001.

Submissions (2):

Ambry Genetics
Classification: Likely benign for Hereditary cancer-predisposing syndrome. Last evaluated: 2025-04-01. Review status: criteria provided, single submitter. Criteria: Ambry Variant Classification Scheme 2023. Collection method: clinical testing. Allele origin: germline.

Labcorp Genetics (formerly Invitae), Labcorp
Classification: Uncertain significance for POLD1-related polyposis and colorectal cancer syndrome. Last evaluated: 2024-02-17. Review status: criteria provided, single submitter. Criteria: Invitae Variant Classification Sherloc (09022015). Collection method: clinical testing. Allele origin: germline.
Comment: This sequence change replaces glutamine, which is neutral and polar, with leucine, which is neutral and non-polar, at codon 90 of the POLD1 protein (p.Gln90Leu). This variant is present in population databases (rs778838312, gnomAD 0.002%). This variant has not been reported in the literature in individuals affected with POLD1-related conditions. ClinVar contains an entry for this variant (Variation ID: 469287). Advanced modeling of protein sequence and biophysical properties (such as structural, functional, and spatial information, amino acid conservation, physicochemical variation, residue mobility, and thermodynamic stability) performed at Invitae indicates that this missense variant is not expected to disrupt POLD1 protein function with a negative predictive value of 80%. In summary, the available evidence is currently insufficient to determine the role of this variant in disease. Therefore, it has been classified as a Variant of Uncertain Significance.

NM_002691.4(POLD1):c.269A>T (p.Gln90Leu)

Gene: POLD1 (DNA polymerase delta 1, catalytic subunit; plus strand). Cytogenetic location: 19q13.33.
Variant type: single nucleotide variant.
Coding change: c.269A>T on transcript NM_002691.4 (MANE Select); coding-DNA position 269, A replaced by T.
Protein change: p.Gln90Leu; replaces glutamine 90 with leucine.
Molecular consequence: missense variant. On other transcripts: non-coding transcript variant (1).
Genome position (GRCh38, 1-based): chr19:50,399,437, A>T. VCF-style: chr19-50399437-A-T. GRCh37 (hg19) VCF-style: chr19-50902694-A-T.
Other names: c.269A>T, p.Gln90Leu (NM_001256849.1, NM_001308632.1); short protein forms Q90L.
Identifiers: ClinVar variation 469287 (VCV000469287.12), dbSNP rs778838312, ClinGen allele CA9595668.